The following is an entry in ClinVar:

NM_000038.6(APC):c.5743A>C (p.Lys1915Gln)

Gene: APC (APC regulator of Wnt signaling pathway; plus strand). Cytogenetic location: 5q22.2.
Variant type: single nucleotide variant.
Coding change: c.5743A>C on transcript NM_000038.6 (MANE Select); coding-DNA position 5743, A replaced by C.
Protein change: p.Lys1915Gln; replaces lysine 1915 with glutamine.
Molecular consequence: missense variant.
Genome position (GRCh38, 1-based): chr5:112,841,337, A>C. VCF-style: chr5-112841337-A-C. GRCh37 (hg19) VCF-style: chr5-112177034-A-C.
Other names: c.5356A>C, p.Lys1786Gln (NM_001407469.1, NM_001407467.1); c.4894A>C, p.Lys1632Gln (NM_001407470.1, NM_001354906.2); c.5440A>C, p.Lys1814Gln (NM_001407460.1, NM_001407459.1, NM_001354903.2 and 1 more transcripts); c.5743A>C, p.Lys1915Gln (NM_001127510.3, NM_001354895.2, NM_001407450.1); c.5689A>C, p.Lys1897Gln (NM_001127511.3); c.5797A>C, p.Lys1933Gln (NM_001354896.2, NM_001407447.1, NM_001407448.1 and 1 more transcripts); c.5773A>C, p.Lys1925Gln (NM_001354897.2); c.5668A>C, p.Lys1890Gln (NM_001354898.2); and 11 more; short protein forms K1789Q, K1890Q, K1915Q, K1755Q, K1786Q, K1905Q, K1908Q, K1933Q.
Identifiers: ClinVar variation 1749396 (VCV001749396.8), dbSNP rs587778031, ClinGen allele CA16033901.

ClinVar aggregate classification (germline): Uncertain significance. Review status: criteria provided, multiple submitters, no conflicts (2 of 4 stars). 2 submissions from 2 submitters: Uncertain significance (2). Last evaluated 2024-12-12.

Conditions:
Hereditary cancer-predisposing syndrome. Also called: Hereditary Cancer Syndrome; Hereditary neoplastic syndrome; Neoplastic Syndromes, Hereditary; Tumor predisposition. Identifiers: Orphanet 140162, MedGen C0027672, MeSH D009386, MONDO:0015356.
Familial adenomatous polyposis 1 (FAP1). Also called: FAMILIAL ADENOMATOUS POLYPOSIS 1, ATTENUATED; POLYPOSIS, ADENOMATOUS INTESTINAL. Identifiers: MedGen C2713442, MONDO:0021056, OMIM 175100. Disease mechanism: loss of function.

Allele frequency attached by ClinVar (database versions not stated): gnomAD 0.00001.
gnomAD v4.1: 1 of 1,613,886 alleles (0.000062%); highest among the groups gnomAD compares: African/African-American, 0.0013%; no homozygotes.

Submissions (2):

Labcorp Genetics (formerly Invitae), Labcorp
Classification: Uncertain significance for Familial adenomatous polyposis 1. Last evaluated: 2024-12-12. Review status: criteria provided, single submitter. Criteria: Invitae Variant Classification Sherloc (09022015). Collection method: clinical testing. Allele origin: germline.
Comment: This sequence change replaces lysine, which is basic and polar, with glutamine, which is neutral and polar, at codon 1915 of the APC protein (p.Lys1915Gln). This variant is not present in population databases (gnomAD no frequency). This variant has not been reported in the literature in individuals affected with APC-related conditions. ClinVar contains an entry for this variant (Variation ID: 1749396). Invitae Evidence Modeling of protein sequence and biophysical properties (such as structural, functional, and spatial information, amino acid conservation, physicochemical variation, residue mobility, and thermodynamic stability) indicates that this missense variant is not expected to disrupt APC protein function with a negative predictive value of 95%. In summary, the available evidence is currently insufficient to determine the role of this variant in disease. Therefore, it has been classified as a Variant of Uncertain Significance.

Ambry Genetics
Classification: Uncertain significance for Hereditary cancer-predisposing syndrome. Last evaluated: 2024-04-20. Review status: criteria provided, single submitter. Criteria: Ambry Variant Classification Scheme 2023. Collection method: clinical testing. Allele origin: germline.
Comment: The p.K1915Q variant (also known as c.5743A>C), located in coding exon 15 of the APC gene, results from an A to C substitution at nucleotide position 5743. The lysine at codon 1915 is replaced by glutamine, an amino acid with similar properties. This amino acid position is well conserved in available vertebrate species. In addition, in silico predictors for this gene do not accurately predict pathogenicity. Based on the available evidence, the clinical significance of this variant remains unclear.